The following is an entry in ClinVar:

NM_058216.3(RAD51C):c.570G>A (p.Glu190=)

Gene: RAD51C (RAD51 paralog C; plus strand). Cytogenetic location: 17q22.
Variant type: single nucleotide variant.
Coding change: c.570G>A on transcript NM_058216.3 (MANE Select); coding-DNA position 570, G replaced by A.
Protein change: p.Glu190=; no amino-acid change (glutamic acid 190 retained).
Molecular consequence: synonymous variant.
Genome position (GRCh38, 1-based): chr17:58,696,858, G>A. VCF-style: chr17-58696858-G-A. GRCh37 (hg19) VCF-style: chr17-56774219-G-A.
Other names: c.570G>A (LRG_314t1).
Identifiers: ClinVar variation 484750 (VCV000484750.23), dbSNP rs1555594937, ClinGen allele CA501075099.

ClinVar aggregate classification (germline): Benign/Likely benign. Review status: criteria provided, multiple submitters, no conflicts (2 of 4 stars). 5 submissions from 5 submitters: Benign (1); Likely benign (4). Last evaluated 2025-02-27.

Conditions:
Fanconi anemia complementation group O. Also called: RAD51C-Related Fanconi Anemia. Identifiers: Orphanet 84, MedGen C3150653, MONDO:0013248, OMIM 613390.
Hereditary cancer-predisposing syndrome. Also called: Hereditary neoplastic syndrome; Neoplastic Syndromes, Hereditary; Tumor predisposition; Hereditary Cancer Syndrome. Identifiers: Orphanet 140162, MedGen C0027672, MeSH D009386, MONDO:0015356.
Breast-ovarian cancer, familial, susceptibility to, 3. Also called: RAD51C-Related Breast/Ovarian Cancer. Identifiers: Orphanet 145, MedGen C3150659, MONDO:0013253, OMIM 613399.

Allele frequency attached by ClinVar (database versions not stated): TOPMed below 0.00001.

Submissions (5):

Labcorp Genetics (formerly Invitae), Labcorp
Classification: Likely benign for Fanconi anemia complementation group O. Last evaluated: 2025-02-27. Review status: criteria provided, single submitter. Criteria: Invitae Variant Classification Sherloc (09022015). Collection method: clinical testing. Allele origin: germline.

Myriad Genetics, Inc.
Classification: Benign for Breast-ovarian cancer, familial, susceptibility to, 3. Last evaluated: 2025-02-18. Review status: criteria provided, single submitter. Criteria: Myriad Autosomal Dominant, Autosomal Recessive and X-Linked Classification Criteria (2023). Collection method: clinical testing. Allele origin: unknown.
Comment: This variant is considered benign. This variant is a silent/synonymous amino acid change and it is not expected to impact splicing.

ARUP Laboratories, Molecular Genetics and Genomics, ARUP Laboratories
Classification: Likely benign. Last evaluated: 2020-10-15. Review status: criteria provided, single submitter. Criteria: ARUP Molecular Germline Variant Investigation Process 2021. Collection method: clinical testing. Allele origin: germline.

GeneDx
Classification: Likely benign. Last evaluated: 2018-03-08. Review status: criteria provided, single submitter. Criteria: GeneDx Variant Classification (06012015). Collection method: clinical testing. Allele origin: germline. Affected: yes.
Comment: This variant is considered likely benign or benign based on one or more of the following criteria: it is a conservative change, it occurs at a poorly conserved position in the protein, it is predicted to be benign by multiple in silico algorithms, and/or has population frequency not consistent with disease.

Ambry Genetics
Classification: Likely benign for Hereditary cancer-predisposing syndrome. Last evaluated: 2017-02-28. Review status: criteria provided, single submitter. Criteria: Ambry Variant Classification Scheme 2023. Collection method: clinical testing. Allele origin: germline.